The following is an entry in ClinVar:

NM_000059.4(BRCA2):c.3317G>A (p.Ser1106Asn)

Gene: BRCA2 (BRCA2 DNA repair associated; plus strand). Cytogenetic location: 13q13.1.
Variant type: single nucleotide variant.
Coding change: c.3317G>A on transcript NM_000059.4 (MANE Select); coding-DNA position 3317, G replaced by A.
Protein change: p.Ser1106Asn; replaces serine 1106 with asparagine.
Molecular consequence: missense variant.
Genome position (GRCh38, 1-based): chr13:32,337,672, G>A. VCF-style: chr13-32337672-G-A. GRCh37 (hg19) VCF-style: chr13-32911809-G-A.
Other names: short protein forms S1106N.
Identifiers: ClinVar variation 233716 (VCV000233716.6), dbSNP rs876660591, ClinGen allele CA10579572.
Genomic context (GRCh38, chr13:32,337,672, plus strand): 5'-TAACCCCTCAGATGTTATTTTCCAAGCAGGATTTTAATTCAAACCATAATTTAACACCTA[G>A]CCAAAAGGCAGAAATTACAGAACTTTCTACTATATTAGAAGAATCAGGAAGTCAGTTTGA-3'
Protein context (NP_000050.3, residues 1096-1116): DFNSNHNLTP[Ser1106Asn]QKAEITELST

ClinVar aggregate classification (germline): Conflicting classifications of pathogenicity. Review status: criteria provided, conflicting classifications (1 of 4 stars). 3 submissions from 3 submitters: Uncertain significance (2); Likely benign (1). Last evaluated 2024-05-14.

Conditions:
BRCA2-related cancer predisposition. Identifiers: MedGen CN377758, MONDO:0700269.
Hereditary cancer-predisposing syndrome. Also called: Neoplastic Syndromes, Hereditary; Tumor predisposition; Hereditary Cancer Syndrome; Hereditary neoplastic syndrome. Identifiers: Orphanet 140162, MedGen C0027672, MeSH D009386, MONDO:0015356.

Submissions (3):

All of Us Research Program, National Institutes of Health
Classification: Uncertain significance for BRCA2-related cancer predisposition. Last evaluated: 2024-05-14. Review status: criteria provided, single submitter. Criteria: ACMG Guidelines, 2015. Collection method: clinical testing. Allele origin: germline. Inheritance: Autosomal dominant inheritance. Observed: 1 variant allele, 1 heterozygote.
Comment: This missense variant replaces serine with asparagine at codon 1106 of the BRCA2 protein. Computational prediction suggests that this variant may not impact protein structure and function. To our knowledge, functional studies have not been reported for this variant. This variant has not been reported in individuals affected with BRCA2-related disorders in the literature. This variant has not been identified in the general population by the Genome Aggregation Database (gnomAD). The available evidence is insufficient to determine the role of this variant in disease conclusively. Therefore, this variant is classified as a Variant of Uncertain Significance.

This study involves interpretation of variants in research participants for the purpose of population health screening. Participant phenotype was not available at the time of variant classification. Additional details can be found in publication PMID: 35346344, PMCID: PMC8962531

University of Washington Department of Laboratory Medicine, University of Washington
Classification: Likely benign for Hereditary cancer-predisposing syndrome. Last evaluated: 2023-03-23. Review status: criteria provided, single submitter. Criteria: Dines et al. (Genet Med. 2020). Collection method: curation. Allele origin: germline.
Comment: Missense variant in a coldspot region where missense variants are very unlikely to be pathogenic (PMID:31911673).

BRCA2 exon 11 coldspot. Reclassification based on statistical prior probability.

Ambry Genetics
Classification: Uncertain significance for Hereditary cancer-predisposing syndrome. Last evaluated: 2015-09-03. Review status: criteria provided, single submitter. Criteria: Ambry Autosomal Dominant and X-Linked criteria (10/2015). Collection method: clinical testing. Allele origin: germline. Observed: 1 variant allele.
Comment: The p.S1106N variant (also known as c.3317G>A and 3545G>A), located in coding exon 10 of the BRCA2 gene, results from a G to A substitution at nucleotide position 3317. The serine at codon 1106 is replaced by asparagine, an amino acid with highly similar properties. This variant was not reported in population based cohorts in the following databases: Database of Single Nucleotide Polymorphisms (dbSNP), NHLBI Exome Sequencing Project (ESP), and 1000 Genomes Project. In the ESP, this variant was not observed in 6495 samples (12990 alleles) with coverage at this position. To date, this alteration has been detected with an allele frequency of approximately 0.001% (greater than 150000alleles tested) in our clinical cohort.This amino acid position is highly conserved in available vertebrate species. In addition, this alteration is predicted to be tolerated by in silico analysis.Since supporting evidence is limited at this time, the clinical significance of p.S1106Nremains unclear.